The following is an entry in ClinVar:

NM_001165963.4(SCN1A):c.4260del (p.Phe1420fs)

Genes: SCN1A (sodium voltage-gated channel alpha subunit 1; minus strand), LOC102724058 (uncharacterized LOC102724058; plus strand). Cytogenetic location: 2q24.3.
Variant type: Deletion.
Coding change: c.4260del on transcript NM_001165963.4 (MANE Select); coding-DNA position 4260, one base deleted (T; older notation c.4260delT).
Protein change: p.Phe1420fs; shifts the reading frame from phenylalanine 1420.
Molecular consequence: frameshift variant. On other transcripts: non-coding transcript variant (1).
Genome position (GRCh38, 1-based): chr2:166,002,496, A deleted on the plus strand (T on the coding strand, the reverse complement: SCN1A is on the minus strand); the first of 3 consecutive A bases (chr2:166,002,496-166,002,498); deleting any one gives the same sequence. VCF-style (leftmost placement, unchanged base first): chr2-166002495-CA-C. GRCh37 (hg19) VCF-style: chr2-166859005-CA-C.
Other names: c.4176del, p.Phe1392fs (NM_001165964.3, NM_001353957.2, NM_001353958.2); c.4260del, p.Phe1420fs (NM_001202435.3, NM_001353948.2); c.4227del, p.Phe1409fs (NM_001353949.2, NM_001353950.2, NM_001353951.2 and 2 more transcripts); c.4224del, p.Phe1408fs (NM_001353954.2, NM_001353955.2); c.4173del, p.Phe1391fs (NM_001353960.2); c.1818del, p.Phe606fs (NM_001353961.2); short protein forms F1391fs, F1420fs, F1408fs, F1409fs, F606fs, F1392fs.
Identifiers: ClinVar variation 2697255 (VCV002697255.3), dbSNP rs2468433723, ClinGen allele CA2697551209.
Genomic context (GRCh38, chr2:166,002,495, plus strand): 5'-ACAATAAAAATATTCAGAGAAAATAGTGTTCACTTACAACTTGAAGCAAAGAGAGATACC[CA>C]AATCCTACATTATCAAAGTTTACTTTCACATTTTTCCATCGAGCAGTCTCATTTCTTTCT-3'

ClinVar aggregate classification (germline): Pathogenic (1 of 4 stars; one submission).

Conditions:
Early-infantile DEE. Also called: Ohtahara syndrome; Early infantile epileptic encephalopathy with suppression bursts; Early infantile epileptic encephalopathy. Identifiers: Orphanet 1934, MedGen C0393706, MONDO:0800491.

Submission:

Labcorp Genetics (formerly Invitae), Labcorp
Classification: Pathogenic for Early-infantile DEE. Last evaluated: 2023-11-19. Review status: criteria provided, single submitter. Criteria: Invitae Variant Classification Sherloc (09022015). Collection method: clinical testing. Allele origin: germline.
Comment: This sequence change creates a premature translational stop signal (p.Phe1420Leufs*18) in the SCN1A gene. It is expected to result in an absent or disrupted protein product. Loss-of-function variants in SCN1A are known to be pathogenic (PMID: 17347258, 18930999). This variant is not present in population databases (gnomAD no frequency). This variant has not been reported in the literature in individuals affected with SCN1A-related conditions. For these reasons, this variant has been classified as Pathogenic.

Literature cited by the submitters: PubMed 17347258; PubMed 18930999.